The following is an entry in ClinVar:

ClinVar aggregate classification (germline): Pathogenic/Likely pathogenic. Review status: criteria provided, multiple submitters, no conflicts (2 of 4 stars). 7 submissions from 7 submitters: Pathogenic (1); Likely pathogenic (5). 1 of the submissions does not count toward it. Last evaluated 2026-04-09.

Conditions:
Neuronal ceroid lipofuscinosis. Also called: Neuronal Ceroid Lipofuscinoses. Identifiers: Orphanet 216, Orphanet 79263, MedGen C0027877, MONDO:0016295. Disease mechanism: loss of function.
Neuronal ceroid lipofuscinosis 5 (CLN5). Also called: CEROID LIPOFUSCINOSIS, NEURONAL, 5, VARIABLE AGE AT ONSET; CLN5-Related Neuronal Ceroid-Lipofuscinosis; Neuronal ceroid lipofuscinosis Finnish variant; NEURONAL CEROID LIPOFUSCINOSIS, LATE INFANTILE, FINNISH VARIANT. Identifiers: Orphanet 168491, Orphanet 228360, MedGen C1850442, MONDO:0009745, OMIM 256731.

Allele frequency attached by ClinVar (database versions not stated): TOPMed below 0.00001.

Submissions (7):

Dasa
Classification: Likely pathogenic. Last evaluated: 2026-04-09. Review status: criteria provided, single submitter. Criteria: DASA Assertion Criteria. Collection method: clinical testing. Allele origin: germline.
Comment: NM_006493.4(CLN5):c.428A>G (p.Asn143Ser) is a missense variant that results in the substitution of asparagine with serine. Functional evidence supports a deleterious effect on the gene or gene product (PMID: 24058541; PMID: 20157158; PMID: 21990111; PMID: 33792748). This variant has been recurrently observed in individuals with related phenotype (PMID: 24058541; PMID: 20157158; PMID: 21990111; PMID: 33792748). Multiple computational predictions support a deleterious effect on the gene or gene product. Based on the available data, this variant is classified as likely pathogenic.

Labcorp Genetics (formerly Invitae), Labcorp
Classification: Pathogenic for Neuronal ceroid lipofuscinosis. Last evaluated: 2025-12-27. Review status: criteria provided, single submitter. Criteria: Invitae Variant Classification Sherloc (09022015). Collection method: clinical testing. Allele origin: germline.
Comment: This sequence change replaces asparagine, which is neutral and polar, with serine, which is neutral and polar, at codon 192 of the CLN5 protein (p.Asn192Ser). This variant is not present in population databases (gnomAD no frequency). This missense change has been observed in individual(s) with neuronal ceroid lipofuscinosis (PMID: 20157158, 36339300; internal data). In at least one individual the data is consistent with being in trans (on the opposite chromosome) from a pathogenic variant. ClinVar contains an entry for this variant (Variation ID: 56539). Invitae Evidence Modeling of protein sequence and biophysical properties (such as structural, functional, and spatial information, amino acid conservation, physicochemical variation, residue mobility, and thermodynamic stability) indicates that this missense variant is not expected to disrupt CLN5 protein function with a negative predictive value of 80%. Experimental studies have shown that this missense change affects CLN5 function (PMID: 24058541). For these reasons, this variant has been classified as Pathogenic.

Fulgent Genetics
Classification: Likely pathogenic for Neuronal ceroid lipofuscinosis 5. Last evaluated: 2024-04-05. Review status: criteria provided, single submitter. Criteria: ACMG Guidelines, 2015. Collection method: clinical testing. Allele origin: germline.

GeneDx
Classification: Likely pathogenic. Last evaluated: 2023-10-27. Review status: criteria provided, single submitter. Criteria: GeneDx Variant Classification Process June 2021. Collection method: clinical testing. Allele origin: germline. Affected: yes.
Comment: Not observed at significant frequency in large population cohorts (gnomAD); In silico analysis supports that this missense variant has a deleterious effect on protein structure/function; This variant is associated with the following publications: (PMID: 24058541, 20157158, 21990111, 36339300)

Baylor Genetics
Classification: Likely pathogenic for Neuronal ceroid lipofuscinosis 5. Last evaluated: 2023-04-05. Review status: criteria provided, single submitter. Criteria: ACMG Guidelines, 2015. Collection method: clinical testing. Allele origin: unknown.

Mendelics
Classification: Likely pathogenic for Neuronal ceroid lipofuscinosis 1. Last evaluated: 2019-05-28. Review status: criteria provided, single submitter. Criteria: Mendelics Assertion Criteria 2017. Collection method: clinical testing. Allele origin: unknown.

Juha Muilu Group; Institute for Molecular Medicine Finland (FIMM)
Classification: Likely pathogenic for Ceroid lipofuscinosis neuronal 5. Review status: no assertion criteria provided. Collection method: not provided. Allele origin: unknown. Not counted in ClinVar's aggregate classification.
Comment: FinDis database variant: This variant was not found or characterized by our laboratory, data were collected from public sources: see reference
ClinVar note: Converted during submission from probable-pathogenic to Likely pathogenic.

Literature cited by the submitters: PubMed 24058541 (cited by Dasa and Labcorp Genetics (formerly Invitae), Labcorp); PubMed 20157158 (cited by Dasa and Labcorp Genetics (formerly Invitae), Labcorp); PubMed 21990111 (cited by Dasa); PubMed 33792748 (cited by Dasa); PubMed 36339300 (cited by Labcorp Genetics (formerly Invitae), Labcorp).

NM_006493.4(CLN5):c.428A>G (p.Asn143Ser)

Gene: CLN5 (CLN5 lysosomal BMP synthase; plus strand). Cytogenetic location: 13q22.3.
Variant type: single nucleotide variant.
Coding change: c.428A>G on transcript NM_006493.4 (MANE Select); coding-DNA position 428, A replaced by G.
Protein change: p.Asn143Ser; replaces asparagine 143 with serine.
Molecular consequence: missense variant.
Genome position (GRCh38, 1-based): chr13:76,995,990, A>G. VCF-style: chr13-76995990-A-G. GRCh37 (hg19) VCF-style: chr13-77570125-A-G.
Other names: c.428A>G, p.Asn143Ser (NM_001366624.2); c.575A>G (LRG_692t1); short protein forms N143S.
Identifiers: ClinVar variation 56539 (VCV000056539.12), dbSNP rs386833975, ClinGen allele CA263898.